The following is an entry in ClinVar:

ClinVar aggregate classification (germline): Uncertain significance (1 of 4 stars; one submission).

Conditions:
Nemaline myopathy 2 (NEM2). Also called: Nemaline myopathy 2, autosomal recessive. Identifiers: MedGen C1850569, MONDO:0009725, OMIM 256030.

Submission:

Labcorp Genetics (formerly Invitae), Labcorp
Classification: Uncertain significance for Nemaline myopathy 2. Last evaluated: 2019-10-02. Review status: criteria provided, single submitter. Criteria: Invitae Variant Classification Sherloc (09022015). Collection method: clinical testing. Allele origin: germline.
Comment: In summary, the available evidence is currently insufficient to determine the role of this variant in disease. Therefore, it has been classified as a Variant of Uncertain Significance. Algorithms developed to predict the effect of missense changes on protein structure and function are either unavailable or do not agree on the potential impact of this missense change (SIFT: "Deleterious"; PolyPhen-2: "Not Available"; Align-GVGD: "Class C0"). This variant has not been reported in the literature in individuals with NEB-related conditions. This variant is not present in population databases (ExAC no frequency). This sequence change replaces arginine with leucine at codon 2437 of the NEB protein (p.Arg2437Leu). The arginine residue is moderately conserved and there is a moderate physicochemical difference between arginine and leucine.

NM_001164508.2(NEB):c.7310G>T (p.Arg2437Leu)

Gene: NEB (nebulin; minus strand). Cytogenetic location: 2q23.3.
Variant type: single nucleotide variant.
Coding change: c.7310G>T on transcript NM_001164508.2 (MANE Select); coding-DNA position 7310, G replaced by T.
Protein change: p.Arg2437Leu; replaces arginine 2437 with leucine.
Molecular consequence: missense variant.
Genome position (GRCh38, 1-based): chr2:151,650,297, C>A on the plus strand (G>T on the coding strand, the complement: NEB is on the minus strand). VCF-style: chr2-151650297-C-A. GRCh37 (hg19) VCF-style: chr2-152506811-C-A.
Other names: c.7310G>T, p.Arg2437Leu (NM_001164507.2, NM_001271208.2, NM_004543.5); short protein forms R2437L.
Identifiers: ClinVar variation 971060 (VCV000971060.9), dbSNP rs61730780, ClinGen allele CA348788271.
Genomic context (GRCh38, chr2:151,650,297, plus strand): 5'-GTGAACTTGTTTCTGTCTGGAGGCTGACGATATTTCTTCTCACTGATGATTTCCGAAGCC[C>A]GCTTGTTCTTTTCTGCCTCTAAAGAACCCAAGGGACTCCATCCTATGCCTCTCAGCCACT-3'
Protein context (NP_001157980.2, residues 2427-2447): LGSLEAEKNK[Arg2437Leu]ASEIISEKKY